The following is an entry in ClinVar:

NM_001134673.4(NFIA):c.131A>G (p.His44Arg)

Gene: NFIA (nuclear factor I A; plus strand). Cytogenetic location: 1p31.3.
Variant type: single nucleotide variant.
Coding change: c.131A>G on transcript NM_001134673.4 (MANE Select); coding-DNA position 131, A replaced by G.
Protein change: p.His44Arg; replaces histidine 44 with arginine.
Molecular consequence: missense variant.
Genome position (GRCh38, 1-based): chr1:61,088,252, A>G. VCF-style: chr1-61088252-A-G. GRCh37 (hg19) VCF-style: chr1-61553924-A-G.
Other names: c.107A>G, p.His36Arg (NM_001145511.2); c.266A>G, p.His89Arg (NM_001145512.2); c.131A>G, p.His44Arg (NM_005595.5); short protein forms H36R, H44R, H89R.
Identifiers: ClinVar variation 3364717 (VCV003364717.1).
Genomic context (GRCh38, chr1:61,088,252, plus strand): 5'-GAGCCTTTGCCTACACATGGTTCAACCTGCAGGCCCGAAAACGAAAATACTTCAAAAAAC[A>G]TGAAAAGCGTATGTCAAAAGAAGAAGAGAGAGCCGTGAAGGATGAATTGCTAAGTGAAAA-3'
Protein context (NP_001128145.1, residues 34-54): QARKRKYFKK[His44Arg]EKRMSKEEER

ClinVar aggregate classification (germline): Uncertain significance (1 of 4 stars; one submission).

Submission:

GeneDx
Classification: Uncertain significance. Last evaluated: 2023-11-20. Review status: criteria provided, single submitter. Criteria: GeneDx Variant Classification Process June 2021. Collection method: clinical testing. Allele origin: germline. Affected: yes.
Comment: Not observed at significant frequency in large population cohorts (gnomAD); In silico analysis supports that this missense variant has a deleterious effect on protein structure/function; Has not been previously published as pathogenic or benign to our knowledge